The following is an entry in ClinVar:

ClinVar aggregate classification (germline): Pathogenic. Review status: criteria provided, multiple submitters, no conflicts (2 of 4 stars). 8 submissions from 8 submitters: Pathogenic (7). 1 of the submissions does not count toward it. Last evaluated 2025-11-10.

Conditions:
CYP27A1-related disorder. Also called: CYP27A1-related condition.
Cholestanol storage disease (CTX). Also called: CEREBRAL CHOLESTERINOSIS; Cerebrotendinous Xanthomatosis; CTX: Cerebrotendinous xanthomatosis. Identifiers: Orphanet 909, MedGen C0238052, MONDO:0008948, OMIM 213700.

Allele frequency attached by ClinVar (database versions not stated): TOPMed 0.00003; ESP Exome Variant Server 0.00008; gnomAD 0.00001; gnomAD exomes 0.00001; ExAC 0.00002.
gnomAD v4.1: 10 of 1,614,074 alleles (0.00062%); highest among the groups gnomAD compares: Non-Finnish European, 0.00085%; no homozygotes.

Submissions (8):

Labcorp Genetics (formerly Invitae), Labcorp
Classification: Pathogenic for Cholestanol storage disease. Last evaluated: 2025-11-10. Review status: criteria provided, single submitter. Criteria: Invitae Variant Classification Sherloc (09022015). Collection method: clinical testing. Allele origin: germline.
Comment: This sequence change creates a premature translational stop signal (p.Gln159*) in the CYP27A1 gene. It is expected to result in an absent or disrupted protein product. Loss-of-function variants in CYP27A1 are known to be pathogenic (PMID: 9392430, 10775536, 26937392). This variant is present in population databases (rs72551314, gnomAD 0.004%). This premature translational stop signal has been observed in individual(s) with cerebrotendinous xanthomatosis (PMID: 8931710). This variant is also known as Gln126*. ClinVar contains an entry for this variant (Variation ID: 65873). For these reasons, this variant has been classified as Pathogenic.

Natera, Inc.
Classification: Pathogenic for Cerebrotendinous xanthomatosis. Last evaluated: 2025-03-17. Review status: criteria provided, single submitter. Criteria: Natera Variant Classification Schema (03/2026). Collection method: clinical testing. Allele origin: germline.
Comment: The c.475C>T variant in CYP27A1 is a nonsense variant predicted to introduce a stop codon at amino acid 159. This variant is expected to result in nonsense mediated decay, truncation, or a dysfunctional protein product. This variant is rare in the general population with a frequency below the threshold expected for the associated phenotype(s). This variant has been observed in one or more individuals affected with the associated recessive disease, as either homozygous or compound heterozygous with a second variant (PMID: 30017468, 8931710). Given the available evidence, this variant is classified as Pathogenic.

PreventionGenetics, part of Exact Sciences
Classification: Pathogenic for CYP27A1-related condition. Last evaluated: 2024-12-22. Review status: criteria provided, single submitter. Criteria: ACMG Guidelines, 2015. Collection method: clinical testing. Allele origin: germline.
Comment: The CYP27A1 c.475C>T variant is predicted to result in premature protein termination (p.Gln159*). Using legacy nomenclature, this variant has been previously reported as p.Gln126Term and has been documented in the biallelic state in patients with cerebrotendinous xanthomatosis (Verrips et al. 1996. PubMed ID: 8931710; Stelten et al. 2021. PubMed ID: 33830582). This variant is reported in 0.0026% of alleles in individuals of European (Non-Finnish) descent in gnomAD. Nonsense variants in CYP27A1 are expected to be pathogenic. This variant is interpreted as pathogenic.

GeneDx
Classification: Pathogenic. Last evaluated: 2024-05-15. Review status: criteria provided, single submitter. Criteria: GeneDx Variant Classification Process June 2021. Collection method: clinical testing. Allele origin: germline. Affected: yes.
Comment: Nonsense variant predicted to result in protein truncation or nonsense mediated decay in a gene for which loss of function is a known mechanism of disease; Not observed at significant frequency in large population cohorts (gnomAD); This variant is associated with the following publications: (PMID: 25525159, 8931710, 20402754, 26643207, LukacsZ2020[Abstract], 33830582)

Baylor Genetics
Classification: Pathogenic for Cholestanol storage disease. Last evaluated: 2024-03-28. Review status: criteria provided, single submitter. Criteria: ACMG Guidelines, 2015. Collection method: clinical testing. Allele origin: unknown.

Institute of Human Genetics, University of Leipzig Medical Center
Classification: Pathogenic for Cholestanol storage disease. Last evaluated: 2019-01-01. Review status: criteria provided, single submitter. Criteria: ACMG Guidelines, 2015. Collection method: clinical testing. Allele origin: unknown. Affected: yes.
Comment: This variant was identified as compound heterozygous.

Eurofins Ntd Llc (ga)
Classification: Pathogenic. Last evaluated: 2018-04-05. Review status: criteria provided, single submitter. Criteria: EGL ClinVar v180209 classification definitions. Collection method: clinical testing. Allele origin: germline. Observed: 1 variant allele, 1 heterozygote.

GeneReviews
Classification: Pathogenic for Cerebrotendinous Xanthomatosis. Last evaluated: 2013-08-01. Review status: no assertion criteria provided. Collection method: curation. Allele origin: unknown. Not counted in ClinVar's aggregate classification.
ClinVar note: Converted during submission from pathologic to Pathogenic.

Literature cited by the submitters: PubMed 9392430 (cited by Labcorp Genetics (formerly Invitae), Labcorp); PubMed 10775536 (cited by Labcorp Genetics (formerly Invitae), Labcorp); PubMed 26937392 (cited by Labcorp Genetics (formerly Invitae), Labcorp); PubMed 8931710 (cited by Labcorp Genetics (formerly Invitae), Labcorp and Natera, Inc.); PubMed 30017468 (cited by Natera, Inc.).

NM_000784.4(CYP27A1):c.475C>T (p.Gln159Ter)

Gene: CYP27A1 (cytochrome P450 family 27 subfamily A member 1; plus strand). Cytogenetic location: 2q35.
Variant type: single nucleotide variant.
Coding change: c.475C>T on transcript NM_000784.4 (MANE Select); coding-DNA position 475, C replaced by T.
Protein change: p.Gln159Ter; replaces glutamine 159 with a stop codon.
Molecular consequence: nonsense.
Genome position (GRCh38, 1-based): chr2:218,812,250, C>T. VCF-style: chr2-218812250-C-T. GRCh37 (hg19) VCF-style: chr2-219676973-C-T.
Other names: c.475C>T; short protein forms Q159*.
Identifiers: ClinVar variation 65873 (VCV000065873.23), dbSNP rs72551314, ClinGen allele CA345208.
Genomic context (GRCh38, chr2:218,812,250, plus strand): 5'-TATCTTTGTGCTGTTCCTCTGCGTCCCTGCAGGGAAGGACACCACTGGTACCAGCTGCGC[C>T]AGGCTCTGAACCAGCGGTTGCTGAAGCCAGCGGAAGCAGCGCTCTATACGGATGCTTTCA-3'